The following is an entry in ClinVar:

NM_170606.3(KMT2C):c.4802A>G (p.Asn1601Ser)

Gene: KMT2C (lysine methyltransferase 2C; minus strand). Cytogenetic location: 7q36.1.
Variant type: single nucleotide variant.
Coding change: c.4802A>G on transcript NM_170606.3 (MANE Select); coding-DNA position 4802, A replaced by G.
Protein change: p.Asn1601Ser; replaces asparagine 1601 with serine.
Molecular consequence: missense variant.
Genome position (GRCh38, 1-based): chr7:152,187,468, T>C on the plus strand (A>G on the coding strand, the complement: KMT2C is on the minus strand). VCF-style: chr7-152187468-T-C. GRCh37 (hg19) VCF-style: chr7-151884553-T-C.
Other names: c.4802A>G (NM_170606.2); short protein forms N1601S.
Identifiers: ClinVar variation 1169032 (VCV001169032.13), dbSNP rs141500418, ClinGen allele CA4580403.
Genomic context (GRCh38, chr7:152,187,468, plus strand): 5'-GTGGGAGCTGATGATGTCCAAGAGTTGTTAGGATCACTTGCCATTGGATTAAAGGCTGAA[T>C]TTTTATCCCTGGGAAAAAATAAATATCTTTACTTTATGAACATAAAATAACTTCTTAATA-3'
Protein context (NP_733751.2, residues 1591-1611): QSSYPDARDK[Asn1601Ser]SAFNPMASDP

ClinVar aggregate classification (germline): Benign/Likely benign. Review status: criteria provided, multiple submitters, no conflicts (2 of 4 stars). 4 submissions from 4 submitters: Benign (1); Likely benign (3). Last evaluated 2026-09-01.

Conditions:
Inborn genetic diseases. Identifiers: MedGen C0950123, MeSH D030342.

Allele frequency attached by ClinVar (database versions not stated): gnomAD exomes 0.00036 and 0.00088; ExAC 0.00088; gnomAD 0.00295 and 0.00310; 1000 Genomes Project 30x 0.00312; TOPMed 0.00321; 1000 Genomes Project 0.00339; ESP Exome Variant Server 0.00469.

Submissions (4):

CeGaT Center for Human Genetics Tuebingen
Classification: Likely benign. Last evaluated: 2026-09-01. Review status: criteria provided, single submitter. Criteria: CeGaT Center For Human Genetics Tuebingen Variant Classification Criteria Version 2. Collection method: clinical testing. Allele origin: germline. Affected: yes. Observed: 3 variant alleles.
Comment: KMT2C: BP4, BS1

Labcorp Genetics (formerly Invitae), Labcorp
Classification: Benign. Last evaluated: 2026-01-19. Review status: criteria provided, single submitter. Criteria: Invitae Variant Classification Sherloc (09022015). Collection method: clinical testing. Allele origin: germline.

Blueprint Genetics
Classification: Likely benign. Last evaluated: 2024-11-20. Review status: criteria provided, single submitter. Criteria: ACMG Guidelines, 2015. Collection method: clinical testing. Allele origin: germline.

Ambry Genetics
Classification: Likely benign for Inborn genetic diseases. Last evaluated: 2021-04-28. Review status: criteria provided, single submitter. Criteria: Ambry Variant Classification Scheme 2023. Collection method: clinical testing. Allele origin: germline.